The following is an entry in ClinVar:

NM_001673.5(ASNS):c.1138G>C (p.Ala380Pro)

Genes: ASNS (asparagine synthetase (glutamine-hydrolyzing); minus strand), CZ1P-ASNS (CZ1P-ASNS readthrough; minus strand). Cytogenetic location: 7q21.3.
Variant type: single nucleotide variant.
Coding change: c.1138G>C on transcript NM_001673.5 (MANE Select); coding-DNA position 1138, G replaced by C.
Protein change: p.Ala380Pro; replaces alanine 380 with proline.
Molecular consequence: missense variant. On other transcripts: non-coding transcript variant (1).
Genome position (GRCh38, 1-based): chr7:97,854,680, C>G on the plus strand (G>C on the coding strand, the complement: ASNS is on the minus strand). VCF-style: chr7-97854680-C-G. GRCh37 (hg19) VCF-style: chr7-97483992-C-G.
Other names: c.1075G>C, p.Ala359Pro (NM_001178075.2); c.889G>C, p.Ala297Pro (NM_001178076.2, NM_001178077.1); c.1138G>C, p.Ala380Pro (NM_001352496.2, NM_133436.3, NM_183356.4); short protein forms A297P, A380P, A359P.
Identifiers: ClinVar variation 2192146 (VCV002192146.4), dbSNP rs758183057, ClinGen allele CA4354580.

ClinVar aggregate classification (germline): Uncertain significance (1 of 4 stars; one submission).

Allele frequency attached by ClinVar (database versions not stated): ExAC 0.00001.
gnomAD v4.1: 1 of 1,613,980 alleles (0.000062%); highest among the groups gnomAD compares: South Asian, 0.0011%; no homozygotes.

Submission:

Labcorp Genetics (formerly Invitae), Labcorp
Classification: Uncertain significance. Last evaluated: 2022-08-10. Review status: criteria provided, single submitter. Criteria: Invitae Variant Classification Sherloc (09022015). Collection method: clinical testing. Allele origin: germline.
Comment: In summary, the available evidence is currently insufficient to determine the role of this variant in disease. Therefore, it has been classified as a Variant of Uncertain Significance. Algorithms developed to predict the effect of sequence changes on RNA splicing suggest that this variant may disrupt the consensus splice site. Algorithms developed to predict the effect of missense changes on protein structure and function are either unavailable or do not agree on the potential impact of this missense change (SIFT: "Deleterious"; PolyPhen-2: "Probably Damaging"; Align-GVGD: "Class C0"). This variant has not been reported in the literature in individuals affected with ASNS-related conditions. This variant is present in population databases (rs758183057, gnomAD 0.003%). This sequence change replaces alanine, which is neutral and non-polar, with proline, which is neutral and non-polar, at codon 380 of the ASNS protein (p.Ala380Pro).